The following is an entry in ClinVar:

NM_000747.3(CHRNB1):c.343C>G (p.Leu115Val)

Gene: CHRNB1 (cholinergic receptor nicotinic beta 1 subunit; plus strand). Cytogenetic location: 17p13.1.
Variant type: single nucleotide variant.
Coding change: c.343C>G on transcript NM_000747.3 (MANE Select); coding-DNA position 343, C replaced by G.
Protein change: p.Leu115Val; replaces leucine 115 with valine.
Molecular consequence: missense variant.
Genome position (GRCh38, 1-based): chr17:7,446,932, C>G. VCF-style: chr17-7446932-C-G. GRCh37 (hg19) VCF-style: chr17-7350251-C-G.
Other names: short protein forms L115V.
Identifiers: ClinVar variation 1026787 (VCV001026787.10), dbSNP rs757084012, ClinGen allele CA8347722.
Genomic context (GRCh38, chr17:7,446,932, plus strand): 5'-CACGACGGCATCGATTCGCTCCGCATCACGGCGGAATCCGTGTGGCTCCCTGACGTGGTG[C>G]TACTGAACAAGTAGGAGAACTTCCAAAGCCCGGGAGGTGGCGCGGGGCCTCGGGGGGCGG-3'
Protein context (NP_000738.2, residues 105-125): AESVWLPDVV[Leu115Val]LNNNDGNFDV

ClinVar aggregate classification (germline): Uncertain significance (1 of 4 stars; one submission).

Conditions:
Congenital myasthenic syndrome 2A. Also called: Myasthenic syndrome, congenital, 2a, slow-channel. Identifiers: Orphanet 590, MedGen C4225374, MONDO:0014581, OMIM 616313.

Allele frequency attached by ClinVar (database versions not stated): TOPMed below 0.00001; ExAC 0.00001; gnomAD 0.00001; gnomAD exomes 0.00001 and below 0.00001.

Submission:

Labcorp Genetics (formerly Invitae), Labcorp
Classification: Uncertain significance for Congenital myasthenic syndrome 2A. Last evaluated: 2022-01-21. Review status: criteria provided, single submitter. Criteria: Invitae Variant Classification Sherloc (09022015). Collection method: clinical testing. Allele origin: germline.
Comment: In summary, the available evidence is currently insufficient to determine the role of this variant in disease. Therefore, it has been classified as a Variant of Uncertain Significance. This sequence change replaces leucine, which is neutral and non-polar, with valine, which is neutral and non-polar, at codon 115 of the CHRNB1 protein (p.Leu115Val). This variant is present in population databases (rs757084012, gnomAD 0.0009%). This variant has not been reported in the literature in individuals affected with CHRNB1-related conditions. ClinVar contains an entry for this variant (Variation ID: 1026787). Algorithms developed to predict the effect of missense changes on protein structure and function are either unavailable or do not agree on the potential impact of this missense change (SIFT: "Deleterious"; PolyPhen-2: "Probably Damaging"; Align-GVGD: "Class C0"). Algorithms developed to predict the effect of sequence changes on RNA splicing suggest that this variant may create or strengthen a splice site.